The following is an entry in ClinVar:

ClinVar aggregate classification (germline): Benign. Review status: criteria provided, single submitter (1 of 4 stars). 3 submissions from 1 submitter: Benign (3). Last evaluated 2018-01-12.

Conditions:
Familial multiple trichoepitheliomata. Also called: Familial multiple trichoepithelioma. Identifiers: Orphanet 79493, Orphanet 867, MedGen C1275122, MONDO:0011114.
Brooke-Spiegler syndrome. Also called: CYLD Cutaneous Syndrome. Identifiers: Orphanet 79493, MedGen C1857941, MONDO:0011512, OMIM 605041.
Familial cylindromatosis. Also called: Turban tumor syndrome; ANCELL-SPIEGLER CYLINDROMAS. Identifiers: Orphanet 211, Orphanet 79493, MedGen C1851526, MONDO:0007565, OMIM 132700.

Allele frequency attached by ClinVar (database versions not stated): gnomAD exomes 0.00030; TOPMed 0.00167; 1000 Genomes Project 30x 0.00187; 1000 Genomes Project 0.00200.
gnomAD v4.1: 263 of 233,286 alleles (0.11%); highest among the groups gnomAD compares: African/African-American, 0.54%; 1 homozygote.

Submissions (3):

Illumina Laboratory Services, Illumina
Classification: Benign for Trichoepithelioma, multiple familial, 1. Last evaluated: 2018-01-12. Review status: criteria provided, single submitter. Criteria: ICSL Variant Classification Criteria 13 December 2019. Collection method: clinical testing. Allele origin: germline.
Comment: This variant was observed in the ICSL laboratory as part of a predisposition screen in an ostensibly healthy population. It had not been previously curated by ICSL or reported in the Human Gene Mutation Database (HGMD: prior to June 1st, 2018), and was therefore a candidate for classification through an automated scoring system. Utilizing variant allele frequency, disease prevalence and penetrance estimates, and inheritance mode, an automated score was calculated to assess if this variant is too frequent to cause the disease. Based on the score and internal cut-off values, a variant classified as benign is not then subjected to further curation. The score for this variant resulted in a classification of benign for this disease.

Illumina Laboratory Services, Illumina
Classification: Benign for Familial cylindromatosis. Last evaluated: 2018-01-12. Review status: criteria provided, single submitter. Criteria: ICSL Variant Classification Criteria 13 December 2019. Collection method: clinical testing. Allele origin: germline.
Comment: the same text as in the submission from Illumina Laboratory Services, Illumina above.

Illumina Laboratory Services, Illumina
Classification: Benign for Brooke-Spiegler syndrome. Last evaluated: 2018-01-12. Review status: criteria provided, single submitter. Criteria: ICSL Variant Classification Criteria 13 December 2019. Collection method: clinical testing. Allele origin: germline.
Comment: the same text as in the submission from Illumina Laboratory Services, Illumina above.

NM_001378743.1(CYLD):c.*5272C>T

Genes: CYLD (CYLD lysine 63 deubiquitinase; plus strand), CYLD-AS2 (CYLD antisense RNA 2; minus strand). Cytogenetic location: 16q12.1.
Variant type: single nucleotide variant.
Coding change: c.*5272C>T on transcript NM_001378743.1 (MANE Select); 5272 bases downstream of the stop codon, C replaced by T.
Molecular consequence: 3 prime UTR variant. On other transcripts: non-coding transcript variant (1).
Genome position (GRCh38, 1-based): chr16:50,801,780, C>T. VCF-style: chr16-50801780-C-T. GRCh37 (hg19) VCF-style: chr16-50835691-C-T.
Other names: c.*5272C>T (NM_001042355.2, NM_001042412.3, NM_001378744.1 and 12 more transcripts).
Identifiers: ClinVar variation 319573 (VCV000319573.5), dbSNP rs140875917, ClinGen allele CA10647670.